The following is an entry in ClinVar:

NM_177973.2(SULT2B1):c.948C>T (p.Asp316=)

Gene: SULT2B1 (sulfotransferase family 2B member 1; plus strand). Cytogenetic location: 19q13.33.
Variant type: single nucleotide variant.
Coding change: c.948C>T on transcript NM_177973.2 (MANE Select); coding-DNA position 948, C replaced by T.
Protein change: p.Asp316=; no amino-acid change (aspartic acid 316 retained).
Molecular consequence: synonymous variant.
Genome position (GRCh38, 1-based): chr19:48,599,256, C>T. VCF-style: chr19-48599256-C-T. GRCh37 (hg19) VCF-style: chr19-49102513-C-T.
Other names: c.948C>T (NM_177973.1); c.903C>T, p.Asp301= (NM_004605.2).
Identifiers: ClinVar variation 1601174 (VCV001601174.11), dbSNP rs1052131, ClinGen allele CA9553276.

ClinVar aggregate classification (germline): Benign. Review status: criteria provided, multiple submitters, no conflicts (2 of 4 stars). 3 submissions from 3 submitters: Benign (2). 1 of the submissions does not count toward it. Last evaluated 2026-01-27.

Conditions:
SULT2B1-related disorder. Also called: SULT2B1-related condition.

Allele frequency attached by ClinVar (database versions not stated): 1000 Genomes Project 0.14097; 1000 Genomes Project 30x 0.14163; ExAC 0.17919; ESP Exome Variant Server 0.11477; TOPMed 0.13803.
gnomAD v4.1: 223,578 of 1,609,242 alleles (14%); highest among the groups gnomAD compares: Admixed American, 30%; 17,103 homozygotes.

Submissions (3):

Labcorp Genetics (formerly Invitae), Labcorp
Classification: Benign. Last evaluated: 2026-01-27. Review status: criteria provided, single submitter. Criteria: Invitae Variant Classification Sherloc (09022015). Collection method: clinical testing. Allele origin: germline.

Breakthrough Genomics
Classification: Benign. Review status: criteria provided, single submitter. Criteria: ACMG Guidelines, 2015. Collection method: not provided. Allele origin: germline. Inheritance: Autosomal recessive inheritance. Affected: yes.

PreventionGenetics, part of Exact Sciences
Classification: Benign for SULT2B1-related condition. Last evaluated: 2019-10-21. Review status: no assertion criteria provided. Collection method: clinical testing. Allele origin: germline. Not counted in ClinVar's aggregate classification.
Comment: This variant is classified as benign based on ACMG/AMP sequence variant interpretation guidelines (Richards et al. 2015 PMID: 25741868, with internal and published modifications).